The following is an entry in ClinVar:

NM_001042492.3(NF1):c.7751T>G (p.Ile2584Ser)

Gene: NF1 (neurofibromin 1; plus strand). Cytogenetic location: 17q11.2.
Variant type: single nucleotide variant.
Coding change: c.7751T>G on transcript NM_001042492.3 (MANE Select); coding-DNA position 7751, T replaced by G.
Protein change: p.Ile2584Ser; replaces isoleucine 2584 with serine.
Molecular consequence: missense variant.
Genome position (GRCh38, 1-based): chr17:31,356,972, T>G. VCF-style: chr17-31356972-T-G. GRCh37 (hg19) VCF-style: chr17-29683990-T-G.
Other names: c.7688T>G, p.Ile2563Ser (NM_000267.4); short protein forms I2563S, I2584S.
Identifiers: ClinVar variation 827192 (VCV000827192.15), dbSNP rs1597866331, ClinGen allele CA399018349.

ClinVar aggregate classification (germline): Uncertain significance. Review status: criteria provided, multiple submitters, no conflicts (2 of 4 stars). 5 submissions from 5 submitters: Uncertain significance (5). Last evaluated 2025-12-02.

Conditions:
Neurofibromatosis, type 1 (NF1). Also called: Neurofibromatosis, type I; Peripheral type neurofibromatosis; VON RECKLINGHAUSEN DISEASE; NEUROFIBROMATOSIS, TYPE I, SOMATIC. Identifiers: Orphanet 636, MedGen C0027831, MONDO:0018975, OMIM 162200. Disease mechanism: loss of function.
Hereditary cancer-predisposing syndrome. Also called: Neoplastic Syndromes, Hereditary; Hereditary Cancer Syndrome; Hereditary neoplastic syndrome; Tumor predisposition. Identifiers: Orphanet 140162, MedGen C0027672, MeSH D009386, MONDO:0015356.
Cardiovascular phenotype. Identifiers: MedGen CN230736.
Juvenile myelomonocytic leukemia (JMML). Also called: LEUKEMIA, JUVENILE MYELOMONOCYTIC, SOMATIC. Identifiers: Orphanet 86834, MedGen C0349639, MONDO:0011908, OMIM 607785, HP:0012209.

Submissions (5):

Labcorp Genetics (formerly Invitae), Labcorp
Classification: Uncertain significance for Neurofibromatosis, type 1. Last evaluated: 2025-12-02. Review status: criteria provided, single submitter. Criteria: Invitae Variant Classification Sherloc (09022015). Collection method: clinical testing. Allele origin: germline.
Comment: This sequence change replaces isoleucine, which is neutral and non-polar, with serine, which is neutral and polar, at codon 2563 of the NF1 protein (p.Ile2563Ser). This variant is not present in population databases (gnomAD no frequency). This variant has not been reported in the literature in individuals affected with NF1-related conditions. ClinVar contains an entry for this variant (Variation ID: 827192). Invitae Evidence Modeling of protein sequence and biophysical properties (such as structural, functional, and spatial information, amino acid conservation, physicochemical variation, residue mobility, and thermodynamic stability) indicates that this missense variant is not expected to disrupt NF1 protein function with a negative predictive value of 95%. In summary, the available evidence is currently insufficient to determine the role of this variant in disease. Therefore, it has been classified as a Variant of Uncertain Significance.

Quest Diagnostics Nichols Institute San Juan Capistrano
Classification: Uncertain significance. Last evaluated: 2025-05-14. Review status: criteria provided, single submitter. Criteria: Quest Diagnostics criteria. Collection method: clinical testing. Allele origin: unknown.

Ambry Genetics
Classification: Uncertain significance for Cardiovascular phenotype; Hereditary cancer-predisposing syndrome. Last evaluated: 2024-09-21. Review status: criteria provided, single submitter. Criteria: Ambry Variant Classification Scheme 2023. Collection method: clinical testing. Allele origin: germline.
Comment: The p.I2563S variant (also known as c.7688T>G), located in coding exon 52 of the NF1 gene, results from a T to G substitution at nucleotide position 7688. The isoleucine at codon 2563 is replaced by serine, an amino acid with dissimilar properties. This amino acid position is highly conserved in available vertebrate species. In addition, this alteration is predicted to be tolerated by in silico analysis. Since supporting evidence is limited at this time, the clinical significance of this alteration remains unclear.

Baylor Genetics
Classification: Uncertain significance for Juvenile myelomonocytic leukemia. Last evaluated: 2023-12-01. Review status: criteria provided, single submitter. Criteria: ACMG Guidelines, 2015. Collection method: clinical testing. Allele origin: unknown.

Genome-Nilou Lab
Classification: Uncertain significance for Neurofibromatosis, type 1. Last evaluated: 2022-03-15. Review status: criteria provided, single submitter. Criteria: ACMG Guidelines, 2015. Collection method: clinical testing. Allele origin: germline. Affected: no.